The following is an entry in ClinVar:

ClinVar aggregate classification (germline): Likely benign (0 of 4 stars; one submission).

Conditions:
EFNB1-related disorder. Also called: EFNB1-related condition.

Allele frequency attached by ClinVar (database versions not stated): ExAC 0.00005; TOPMed 0.00009; gnomAD 0.00010.
gnomAD v4.1: 177 of 1,188,991 alleles (0.015%); highest among the groups gnomAD compares: Non-Finnish European, 0.018%; no homozygotes.

Submission:

PreventionGenetics, part of Exact Sciences
Classification: Likely benign for EFNB1-related condition. Last evaluated: 2019-03-05. Review status: no assertion criteria provided. Collection method: clinical testing. Allele origin: germline.
Comment: This variant is classified as likely benign based on ACMG/AMP sequence variant interpretation guidelines (Richards et al. 2015 PMID: 25741868, with internal and published modifications).

NM_004429.5(EFNB1):c.-6G>A

Gene: EFNB1 (ephrin B1; plus strand). Cytogenetic location: Xq13.1.
Variant type: single nucleotide variant.
Coding change: c.-6G>A on transcript NM_004429.5 (MANE Select); 6 bases upstream of the start codon, G replaced by A.
Molecular consequence: 5 prime UTR variant.
Genome position (GRCh38, 1-based): chrX:68,829,771, G>A. VCF-style: chrX-68829771-G-A. GRCh37 (hg19) VCF-style: chrX-68049614-G-A.
Identifiers: ClinVar variation 3046870 (VCV003046870.2), dbSNP rs774349071, ClinGen allele CA10438091.